The following is an entry in ClinVar:

ClinVar aggregate classification (germline): Likely benign (0 of 4 stars; one submission).

Conditions:
REV3L-related disorder. Also called: REV3L-related condition.

Allele frequency attached by ClinVar (database versions not stated): ExAC 0.00006; ESP Exome Variant Server 0.00008; TOPMed 0.00028; gnomAD 0.00039.
gnomAD v4.1: 105 of 1,519,946 alleles (0.0069%); highest among the groups gnomAD compares: African/African-American, 0.12%; no homozygotes.

Submission:

PreventionGenetics, part of Exact Sciences
Classification: Likely benign for REV3L-related condition. Last evaluated: 2019-08-29. Review status: no assertion criteria provided. Collection method: clinical testing. Allele origin: germline.
Comment: This variant is classified as likely benign based on ACMG/AMP sequence variant interpretation guidelines (Richards et al. 2015 PMID: 25741868, with internal and published modifications).

NM_001372078.1(REV3L):c.8805G>A (p.Leu2935=)

Gene: REV3L (REV3 like, DNA directed polymerase zeta catalytic subunit; minus strand). Cytogenetic location: 6q21.
Variant type: single nucleotide variant.
Coding change: c.8805G>A on transcript NM_001372078.1 (MANE Select); coding-DNA position 8805, G replaced by A.
Protein change: p.Leu2935=; no amino-acid change (leucine 2935 retained).
Molecular consequence: synonymous variant.
Genome position (GRCh38, 1-based): chr6:111,310,090, C>T on the plus strand (G>A on the coding strand, the complement: REV3L is on the minus strand). VCF-style: chr6-111310090-C-T. GRCh37 (hg19) VCF-style: chr6-111631293-C-T.
Other names: c.8571G>A, p.Leu2857= (NM_001286431.2, NM_001286432.2); c.8805G>A, p.Leu2935= (NM_002912.5).
Identifiers: ClinVar variation 3052680 (VCV003052680.2), dbSNP rs375332884, ClinGen allele CA3961157.